The following is an entry in ClinVar:

ClinVar aggregate classification (germline): Uncertain significance. Review status: criteria provided, multiple submitters, no conflicts (2 of 4 stars). 2 submissions from 2 submitters: Uncertain significance (2). Last evaluated 2025-06-06.

Allele frequency attached by ClinVar (database versions not stated): gnomAD exomes 0.00002; ExAC 0.00005.
gnomAD v4.1: 51 of 1,614,096 alleles (0.0032%); highest among the groups gnomAD compares: African/African-American, 0.051%; 1 homozygote.

Submissions (2):

Labcorp Genetics (formerly Invitae), Labcorp
Classification: Uncertain significance. Last evaluated: 2025-06-06. Review status: criteria provided, single submitter. Criteria: Invitae Variant Classification Sherloc (09022015). Collection method: clinical testing. Allele origin: germline.
Comment: This sequence change replaces glutamine, which is neutral and polar, with proline, which is neutral and non-polar, at codon 30 of the NIN protein (p.Gln30Pro). This variant is present in population databases (rs780812813, gnomAD 0.07%), and has an allele count higher than expected for a pathogenic variant. This variant has not been reported in the literature in individuals affected with NIN-related conditions. ClinVar contains an entry for this variant (Variation ID: 2045142). An algorithm developed to predict the effect of missense changes on protein structure and function (PolyPhen-2) suggests that this variant is likely to be disruptive. In summary, the available evidence is currently insufficient to determine the role of this variant in disease. Therefore, it has been classified as a Variant of Uncertain Significance.

Ambry Genetics
Classification: Uncertain significance. Last evaluated: 2025-02-22. Review status: criteria provided, single submitter. Criteria: Ambry Variant Classification Scheme 2023. Collection method: clinical testing. Allele origin: germline.

NM_020921.4(NIN):c.89A>C (p.Gln30Pro)

Genes: NIN (ninein; minus strand), LOC105370489 (uncharacterized LOC105370489; plus strand). Cytogenetic location: 14q22.1.
Variant type: single nucleotide variant.
Coding change: c.89A>C on transcript NM_020921.4 (MANE Select); coding-DNA position 89, A replaced by C.
Protein change: p.Gln30Pro; replaces glutamine 30 with proline.
Molecular consequence: missense variant.
Genome position (GRCh38, 1-based): chr14:50,821,968, T>G on the plus strand (A>C on the coding strand, the complement: NIN is on the minus strand). VCF-style: chr14-50821968-T-G. GRCh37 (hg19) VCF-style: chr14-51288686-T-G.
Other names: c.89A>C, p.Gln30Pro (NM_016350.5, NM_182944.3, NM_182946.2); c.89A>C (NM_020921.3); short protein forms Q30P.
Identifiers: ClinVar variation 2045142 (VCV002045142.5), dbSNP rs780812813, ClinGen allele CA7182591.
Genomic context (GRCh38, chr14:50,821,968, plus strand): 5'-TGCAGCACTGGGGCCACCTCCTCCAAGCTCAACATGTGGCAAAGGTCGGTGAGTTCCTCC[T>G]GCCCCAGGGACCCTGTGCCCGTCGTGTCAAAACTGTCAAACAGCTCCTTGAGTCGGGCCT-3'
Protein context (NP_065972.4, residues 20-40): FDTTGTGSLG[Gln30Pro]EELTDLCHML